The following is an entry in ClinVar:

ClinVar aggregate classification (germline): Uncertain significance (1 of 4 stars; one submission).

Allele frequency attached by ClinVar (database versions not stated): gnomAD 0.00001; gnomAD exomes 0.00001; TOPMed 0.00001; ExAC 0.00003; ESP Exome Variant Server 0.00008.
gnomAD v4.1: 12 of 1,604,550 alleles (0.00075%); highest among the groups gnomAD compares: Middle Eastern, 0.017%; no homozygotes.

Submission:

Labcorp Genetics (formerly Invitae), Labcorp
Classification: Uncertain significance. Last evaluated: 2022-07-12. Review status: criteria provided, single submitter. Criteria: Invitae Variant Classification Sherloc (09022015). Collection method: clinical testing. Allele origin: germline.
Comment: This variant is present in population databases (rs373490634, gnomAD 0.02%). This sequence change falls in intron 11 of the PYROXD1 gene. It does not directly change the encoded amino acid sequence of the PYROXD1 protein. It affects a nucleotide within the consensus splice site. This variant has not been reported in the literature in individuals affected with PYROXD1-related conditions. ClinVar contains an entry for this variant (Variation ID: 1516681). Variants that disrupt the consensus splice site are a relatively common cause of aberrant splicing (PMID: 17576681, 9536098). Algorithms developed to predict the effect of sequence changes on RNA splicing suggest that this variant is not likely to affect RNA splicing. In summary, the available evidence is currently insufficient to determine the role of this variant in disease. Therefore, it has been classified as a Variant of Uncertain Significance.

Literature cited by the submitters: PubMed 17576681; PubMed 9536098.

NM_024854.5(PYROXD1):c.1254+3A>G

Gene: PYROXD1 (pyridine nucleotide-disulphide oxidoreductase domain 1; plus strand). Cytogenetic location: 12p12.1.
Variant type: single nucleotide variant.
Coding change: c.1254+3A>G on transcript NM_024854.5 (MANE Select); 3 bases into the intron after coding-DNA position 1254, A replaced by G.
Molecular consequence: intron variant.
Genome position (GRCh38, 1-based): chr12:21,467,621, A>G. VCF-style: chr12-21467621-A-G. GRCh37 (hg19) VCF-style: chr12-21620555-A-G.
Other names: c.477+3A>G (NM_001350913.2); c.1041+3A>G (NM_001350912.2).
Identifiers: ClinVar variation 1516681 (VCV001516681.5), dbSNP rs373490634, ClinGen allele CA6478498.
Genomic context (GRCh38, chr12:21,467,621, plus strand): 5'-TGACATGGATTTCAGCTTTGAACTGTTTGCTCATGTGACAAAATTTTTTAACTATAAGGT[A>G]AGATAGTTAAGCATATTAATGCCTTCTCTGCTTGTTAGTCTTATGACTATGATAAATCAT-3'